The following is an entry in ClinVar:

ClinVar aggregate classification (germline): Pathogenic. Review status: criteria provided, single submitter (1 of 4 stars). 2 submissions from 2 submitters: Pathogenic (1). 1 of the submissions does not count toward it. Last evaluated 2024-04-17.

Conditions:
Ventricular arrhythmias due to cardiac ryanodine receptor calcium release deficiency syndrome. Also called: Autosomal dominant cardiac arrhythmia (Kuhn). Identifiers: MedGen C5542154, MONDO:0020745, OMIM 115000.
Catecholaminergic polymorphic ventricular tachycardia 1. Also called: VENTRICULAR TACHYCARDIA, CATECHOLAMINERGIC POLYMORPHIC, 1, WITH OR WITHOUT ATRIAL DYSFUNCTION AND/OR DILATED CARDIOMYOPATHY; VENTRICULAR TACHYCARDIA, STRESS-INDUCED POLYMORPHIC 1; RYR2-Related Catecholaminergic Polymorphic Ventricular Tachycardia. Identifiers: Orphanet 3286, MedGen C1631597, MONDO:0011484, OMIM 604772.

Submissions (2):

Labcorp Genetics (formerly Invitae), Labcorp
Classification: Pathogenic for Catecholaminergic polymorphic ventricular tachycardia 1. Last evaluated: 2024-04-17. Review status: criteria provided, single submitter. Criteria: Invitae Variant Classification Sherloc (09022015). Collection method: clinical testing. Allele origin: germline.
Comment: This sequence change replaces aspartic acid, which is acidic and polar, with alanine, which is neutral and non-polar, at codon 4646 of the RYR2 protein (p.Asp4646Ala). This variant is not present in population databases (gnomAD no frequency). This missense change has been observed in individual(s) with catecholaminergic polymorphic ventricular tachycardia (PMID: 33536282; Invitae). It has also been observed to segregate with disease in related individuals. ClinVar contains an entry for this variant (Variation ID: 852605). Advanced modeling of protein sequence and biophysical properties (such as structural, functional, and spatial information, amino acid conservation, physicochemical variation, residue mobility, and thermodynamic stability) performed at Invitae indicates that this missense variant is expected to disrupt RYR2 protein function with a positive predictive value of 95%. Experimental studies have shown that this missense change affects RYR2 function (PMID: 33536282). For these reasons, this variant has been classified as Pathogenic.

OMIM
Classification: Pathogenic for VENTRICULAR ARRHYTHMIAS DUE TO CARDIAC RYANODINE RECEPTOR CALCIUM RELEASE DEFICIENCY SYNDROME. Last evaluated: 2022-01-13. Review status: no assertion criteria provided. Collection method: literature only. Allele origin: germline. Not counted in ClinVar's aggregate classification.

Literature cited by the submitters: PubMed 33536282 (cited by Labcorp Genetics (formerly Invitae), Labcorp and OMIM).

NM_001035.3(RYR2):c.13937A>C (p.Asp4646Ala)

Gene: RYR2 (ryanodine receptor 2; plus strand). Cytogenetic location: 1q43.
Variant type: single nucleotide variant.
Coding change: c.13937A>C on transcript NM_001035.3 (MANE Select); coding-DNA position 13937, A replaced by C.
Protein change: p.Asp4646Ala; replaces aspartic acid 4646 with alanine.
Molecular consequence: missense variant.
Genome position (GRCh38, 1-based): chr1:237,795,312, A>C. VCF-style: chr1-237795312-A-C. GRCh37 (hg19) VCF-style: chr1-237958612-A-C.
Other names: short protein forms D4646A.
Identifiers: ClinVar variation 852605 (VCV000852605.14), dbSNP rs1658967336, ClinGen allele CA345418613.